The following is an entry in ClinVar:

ClinVar aggregate classification (germline): Pathogenic. Review status: reviewed by expert panel (3 of 4 stars). 60 submissions from 57 submitters: Pathogenic (1). 59 of the submissions do not count toward it. Last evaluated 2016-04-22.

Conditions:
Medulloblastoma (MDB). Also called: MEDULLOBLASTOMA PREDISPOSITION SYNDROME; Medulloblastoma, somatic. Identifiers: Orphanet 616, MedGen C0025149, MeSH D008527, MONDO:0007959, OMIM 155255, HP:0002885.
Familial prostate cancer. Also called: Hereditary Prostate Cancer. Identifiers: MedGen C2931456, MONDO:0700275, OMIM 176807.
Glioma susceptibility 3 (GLM3). Also called: Glioblastoma 3. Identifiers: Orphanet 182067, Orphanet 360, MedGen C2751641, MONDO:0013093, OMIM 613029.
Wilms tumor 1 (WT1). Also called: Wilms tumor, somatic. Identifiers: Orphanet 654, MedGen CN033288, MONDO:0008679, OMIM 194070.
Pancreatic cancer, susceptibility to, 2. Identifiers: Orphanet 1333, MedGen C3150546, MONDO:0013235, OMIM 613347.
Fanconi anemia complementation group D1. Also called: BRCA2-Related Fanconi Anemia. Identifiers: Orphanet 319462, MedGen C1838457, MONDO:0011584, OMIM 605724.
Breast-ovarian cancer, familial, susceptibility to, 2 (BROVCA2). Also called: BRCA2 Hereditary Breast and Ovarian Cancer. Identifiers: Orphanet 145, MedGen C2675520, MONDO:0012933, OMIM 612555. Disease mechanism: loss of function.
Familial cancer of breast. Also called: Hereditary breast cancer; hereditary breast carcinoma; BREAST CANCER, FAMILIAL. Identifiers: Orphanet 227535, MedGen C0346153, MONDO:0016419, OMIM 114480. Disease mechanism: loss of function.
Inherited ovarian cancer (without breast cancer).
Inherited breast cancer and ovarian cancer.
BRCA2-related cancer predisposition. Identifiers: MedGen CN377758, MONDO:0700269.
BRCA2-related disorder. Also called: BRCA2-related condition; BRCA2-related disorders. Identifiers: MedGen CN239275.
Breast and/or ovarian cancer. Identifiers: MedGen CN221562.
Hereditary cancer-predisposing syndrome. Also called: Tumor predisposition; Neoplastic Syndromes, Hereditary; Hereditary neoplastic syndrome; Hereditary Cancer Syndrome. Identifiers: Orphanet 140162, MedGen C0027672, MeSH D009386, MONDO:0015356.
Breast-ovarian cancer, familial, susceptibility to, 1 (BROVCA1). Also called: OVARIAN CANCER, SUSCEPTIBILITY TO; BRCA1 Hereditary Breast and Ovarian Cancer. Identifiers: Orphanet 145, MedGen C2676676, MONDO:0011450, OMIM 604370. Disease mechanism: loss of function.
Endometrial carcinoma. Also called: Endometrial carcinoma, somatic. Identifiers: MedGen C0476089, MONDO:0002447, OMIM 608089, HP:0012114.
Hereditary breast ovarian cancer syndrome. Also called: Hereditary breast and ovarian cancer; Hereditary breast and ovarian cancer syndrome (HBOC); Hereditary breast and ovarian cancer syndrome; Hereditary breast and/or ovarian cancer syndrome; Breast and ovarian cancer; BRCA1- and BRCA2-Associated Hereditary Breast and Ovarian Cancer. Identifiers: Orphanet 145, MedGen C0677776, MeSH D061325, MONDO:0003582. Disease mechanism: loss of function.

Allele frequency attached by ClinVar (database versions not stated): ExAC 0.00002; gnomAD 0.00003; gnomAD exomes 0.00004 and 0.00008; TOPMed 0.00002.

Submissions 1 to 11 of 60:

Evidence-based Network for the Interpretation of Germline Mutant Alleles (ENIGMA)
Classification: Pathogenic for Breast-ovarian cancer, familial, susceptibility to, 2. Last evaluated: 2016-04-22. Review status: reviewed by expert panel. Criteria: ENIGMA BRCA1/2 Classification Criteria (2015). Collection method: curation. Allele origin: germline.
Comment: Variant allele predicted to encode a truncated non-functional protein.

PreventionGenetics, part of Exact Sciences
Classification: Pathogenic for BRCA2-related condition. Last evaluated: 2026-09-04. Review status: criteria provided, single submitter. Criteria: ACMG Guidelines, 2015. Collection method: clinical testing. Allele origin: germline. Not counted in ClinVar's aggregate classification.
Comment: The BRCA2 c.6275_6276delTT variant is predicted to result in a frameshift and premature protein termination (p.Leu2092Profs*7). This variant, also known as c.6503delTT and rs11571658 in the literature, has been reported in multiple individuals with breast and ovarian cancer (see, for example, Bayraktar et al. 2012. PubMed ID: 22009639; Table S1, Carter et al. 2018. PubMed ID: 30322717; de Juan et al. 2015. PubMed ID: 26026974), pancreatic cancer (Young et al. 2018. PubMed ID: 29945567), and prostate cancer (Table S3, Darst et al. 2021. PubMed ID: 32853339).  This variant is reported in 0.0059% of alleles in individuals of Latino descent in gnomAD and is classified as pathogenic by the Evidence-based Network for the Interpretation of Germline Mutant Alleles (ENIGMA) variant curation expert panel in the ClinVar database (Variation ID: 9318). Taken together, this variant is classified as pathogenic.

Genomics and Molecular Medicine Service, East Genomic Laboratory Hub, NHS Genomic Medicine Service
Classification: Pathogenic for Inherited breast cancer and ovarian cancer. Last evaluated: 2026-08-17. Review status: criteria provided, single submitter. Criteria: ACGS Best Practice Guidelines for Variant Classification in Rare Disease 2020. Collection method: clinical testing. Allele origin: germline. Affected: yes. Not counted in ClinVar's aggregate classification.
Comment: PVS1,PM5_Strong

CeGaT Center for Human Genetics Tuebingen
Classification: Pathogenic. Last evaluated: 2026-07-01. Review status: criteria provided, single submitter. Criteria: CeGaT Center For Human Genetics Tuebingen Variant Classification Criteria Version 2. Collection method: clinical testing. Allele origin: germline. Affected: yes. Observed: 5 variant alleles. Not counted in ClinVar's aggregate classification.
Comment: BRCA2: PVS1, PS4:Moderate, PM2:Supporting

Cambridge Genomics Laboratory, East Genomic Laboratory Hub, NHS Genomic Medicine Service
Classification: Pathogenic for Inherited breast cancer and ovarian cancer. Last evaluated: 2026-06-30. Review status: criteria provided, single submitter. Criteria: ACGS Best Practice Guidelines for Variant Classification in Rare Disease 2020. Collection method: clinical testing. Allele origin: germline. Affected: yes. Not counted in ClinVar's aggregate classification.
Comment: the same text as in the submission from Genomics and Molecular Medicine Service, East Genomic Laboratory Hub, NHS Genomic Medicine Service above.

Clinical Genomics Laboratory, Washington University in St. Louis
Classification: Pathogenic for Breast-ovarian cancer, familial, susceptibility to, 2. Last evaluated: 2026-02-12. Review status: criteria provided, single submitter. Criteria: ACMG Guidelines, 2015. Collection method: clinical testing. Allele origin: germline. Affected: yes. Not counted in ClinVar's aggregate classification.
Comment: The BRCA2 c.6275_6276del (p.Leu2092Profs*7) variant, also reported as 6503delTT, has been observed in multiple affected individuals with breast and ovarian cancer families and is considered a founder mutation in Belgian, German, Dutch, and French families (Claes K et al., PMID: 15026808; Janavičius R, PMID: 23199084). This variant causes a frameshift by deleting two nucleotides, leading to a premature termination codon, which is predicted to lead to nonsense mediated decay. This variant is only observed in 10/274,924 alleles in the general population (gnomAD v2.1.1), indicating it is not a common variant. This variant has been classified in the ClinVar database by an expert panel as pathogenic. Based on available information and the ENIGMA BRCA1 and BRCA2 Expert Panel Specifications for BRCA2 variant classification (Parsons MT et al., PMID: 39142283), this variant is classified as pathogenic.

Labcorp Genetics (formerly Invitae), Labcorp
Classification: Pathogenic for Hereditary breast ovarian cancer syndrome. Last evaluated: 2026-01-28. Review status: criteria provided, single submitter. Criteria: Invitae Variant Classification Sherloc (09022015). Collection method: clinical testing. Allele origin: germline. Not counted in ClinVar's aggregate classification.
Comment: This sequence change creates a premature translational stop signal (p.Leu2092Profs*7) in the BRCA2 gene. It is expected to result in an absent or disrupted protein product. Loss-of-function variants in BRCA2 are known to be pathogenic (PMID: 20104584). This variant is present in population databases (rs11571658, gnomAD 0.006%). This premature translational stop signal has been observed in individual(s) with breast, ovarian, and prostate cancer (PMID: 8524414, 20736950, 21324516, 22006311, 22009639, 23199084). It is commonly reported in individuals of European ancestry (PMID: 23199084). This variant is also known as 6503delTT. ClinVar contains an entry for this variant (Variation ID: 9318). For these reasons, this variant has been classified as Pathogenic.

Genetics Laboratory, Great Ormond Street Hospital NHS Foundation Trust, North Thames Genomic Laboratory Hub
Classification: Pathogenic for Inherited ovarian cancer (without breast cancer). Last evaluated: 2025-10-27. Review status: criteria provided, single submitter. Criteria: CanVIG BRCA Gene Specific V1.22. Collection method: clinical testing. Allele origin: germline. Affected: yes. Not counted in ClinVar's aggregate classification.
Comment: PS4_moderate, PVS1_very-strong, PM5_strong

Institute of Immunology and Genetics Kaiserslautern
Classification: Pathogenic for Breast-ovarian cancer, familial, susceptibility to, 1. Last evaluated: 2025-10-16. Review status: criteria provided, single submitter. Criteria: ACMG Guidelines, 2015. Collection method: clinical testing. Allele origin: germline. Affected: no. Not counted in ClinVar's aggregate classification.
Comment: ACMG Criteria: PVS1, PS4, PP5_M ; Variant was found in heterozygous state.

Genetics Laboratory, Great Ormond Street Hospital NHS Foundation Trust, North Thames Genomic Laboratory Hub
Classification: Pathogenic for Inherited breast cancer and ovarian cancer. Last evaluated: 2025-10-07. Review status: criteria provided, single submitter. Criteria: CanVIG BRCA Gene Specific V1.22. Collection method: clinical testing. Allele origin: germline. Affected: yes. Not counted in ClinVar's aggregate classification.
Comment: the same text as in the submission from Genetics Laboratory, Great Ormond Street Hospital NHS Foundation Trust, North Thames Genomic Laboratory Hub above.

Mayo Clinic Laboratories, Mayo Clinic
Classification: Pathogenic. Last evaluated: 2025-08-21. Review status: criteria provided, single submitter. Criteria: ACMG Guidelines, 2015. Collection method: clinical testing. Allele origin: germline. Observed: 7 variant alleles. Not counted in ClinVar's aggregate classification.
Comment: PP5, PM5, PVS1

NM_000059.4(BRCA2):c.6275_6276del (p.Leu2092fs)

Gene: BRCA2 (BRCA2 DNA repair associated; plus strand). Cytogenetic location: 13q13.1.
Variant type: Deletion.
Coding change: c.6275_6276del on transcript NM_000059.4 (MANE Select); coding-DNA positions 6275 to 6276, 2 bases deleted (TT; older notation c.6275_6276delTT).
Protein change: p.Leu2092fs; shifts the reading frame from leucine 2092.
Molecular consequence: frameshift variant.
Genome position (GRCh38, 1-based): chr13:32,340,630-32,340,631, TT deleted. VCF-style (leftmost placement, unchanged base first): chr13-32340629-CTT-C. GRCh37 (hg19) VCF-style: chr13-32914766-CTT-C.
Other names: 6503_6504delTT; p.Leu2092ProfsTer7; 6503delTT; c.6275_6276delTT (NM_000059.3).
Identifiers: ClinVar variation 9318 (VCV000009318.119), dbSNP rs11571658, ClinGen allele CA023808.